The following is an entry in ClinVar:

Single allele

Variant type: Deletion.
Identifiers: ClinVar variation 157117 (VCV000157117.2).

ClinVar aggregate classification (germline): not provided. Review status: no classification provided (0 of 4 stars). 2 submissions from 1 submitter: not provided (2).

Conditions:
Preeclampsia. Identifiers: Orphanet 275555, MedGen C0032914, MONDO:0005081, HP:0100602.
Small for gestational age. Also called: Low birth weight. Identifiers: MedGen C0235991, HP:0001518.

Submissions (2):

Institute of Molecular and Cell Biology, University of Tartu
No classification provided. Condition: Small for gestational age. Review status: no classification provided. Collection method: case-control. Allele origin: unknown. Affected: yes. Study: Kasak2014.
Comment: The study aimed to determine the contribution of copy number variants in the genetic etiology of normal and complicated pregnancies. The samples represented (i) maternal blood DNA drawn from healthy pregnant women during 1st or 2nd trimester and (ii) maternal and paternal blood DNA drawn at term pregnancy cases representing normal and complicated gestations (severe preeclampsia, PE; gestational diabetes, GD; small-for-gestational age newborn, SGA; large-for-gestational age newborn, LGA). We performed CNV calling based on genome-wide genotyping dataset (Illumina HumanOmniExpress-24-v1 BeadChip) by applying three algorithms, QuantiSNP, GADA (Genome Alteration Detection Algorithm) and CNstream in parallel. The acquired CNV calls were merged with HD-CNV (Hotspot Detector for Copy Number Variants) program and only the CNVs predicted by at least two programs, were considered in subsequent analysis.

Institute of Molecular and Cell Biology, University of Tartu
No classification provided. Condition: Preeclampsia. Review status: no classification provided. Collection method: case-control. Allele origin: unknown. Affected: yes. Study: Kasak2014.
Comment: the same text as in the submission from Institute of Molecular and Cell Biology, University of Tartu above.

Literature cited by the submitters: PubMed 25666259.